The following is an entry in ClinVar:

ClinVar aggregate classification (germline): Uncertain significance. Review status: criteria provided, multiple submitters, no conflicts (2 of 4 stars). 2 submissions from 2 submitters: Uncertain significance (2). Last evaluated 2022-03-18.

Conditions:
Catecholaminergic polymorphic ventricular tachycardia 1. Also called: RYR2-Related Catecholaminergic Polymorphic Ventricular Tachycardia; VENTRICULAR TACHYCARDIA, STRESS-INDUCED POLYMORPHIC 1; VENTRICULAR TACHYCARDIA, CATECHOLAMINERGIC POLYMORPHIC, 1, WITH OR WITHOUT ATRIAL DYSFUNCTION AND/OR DILATED CARDIOMYOPATHY. Identifiers: Orphanet 3286, MedGen C1631597, MONDO:0011484, OMIM 604772.

Allele frequency attached by ClinVar (database versions not stated): ExAC 0.00002.
gnomAD v4.1: 2 of 1,594,368 alleles (0.00013%); highest among the groups gnomAD compares: Non-Finnish European, 0.00017%; no homozygotes.

Submissions (2):

Labcorp Genetics (formerly Invitae), Labcorp
Classification: Uncertain significance for Catecholaminergic polymorphic ventricular tachycardia 1. Last evaluated: 2022-03-18. Review status: criteria provided, single submitter. Criteria: Invitae Variant Classification Sherloc (09022015). Collection method: clinical testing. Allele origin: germline.
Comment: The frequency data for this variant in the population databases is considered unreliable, as metrics indicate poor data quality at this position in the gnomAD database. This sequence change replaces leucine, which is neutral and non-polar, with isoleucine, which is neutral and non-polar, at codon 46 of the RYR2 protein (p.Leu46Ile). This variant has not been reported in the literature in individuals affected with RYR2-related conditions. ClinVar contains an entry for this variant (Variation ID: 191478). Advanced modeling of protein sequence and biophysical properties (such as structural, functional, and spatial information, amino acid conservation, physicochemical variation, residue mobility, and thermodynamic stability) performed at Invitae indicates that this missense variant is expected to disrupt RYR2 protein function. In summary, the available evidence is currently insufficient to determine the role of this variant in disease. Therefore, it has been classified as a Variant of Uncertain Significance.

Biesecker Lab/Clinical Genomics Section, National Institutes of Health
Classification: Uncertain significance. Last evaluated: 2013-06-24. Review status: criteria provided, single submitter. Criteria: Ng et al. (Circ Cardiovasc Genet. 2013). Collection method: research. Allele origin: unknown. Observed: 1 variant allele. Study: ClinSeq.
Comment: The study set was not selected for affection status in relation to any cancer. Pathogenicity categories were based on literature curation. See Pubmed ID:23861362 for details.

Medical sequencing

NM_001035.3(RYR2):c.136C>A (p.Leu46Ile)

Gene: RYR2 (ryanodine receptor 2; plus strand). Cytogenetic location: 1q43.
Variant type: single nucleotide variant.
Coding change: c.136C>A on transcript NM_001035.3 (MANE Select); coding-DNA position 136, C replaced by A.
Protein change: p.Leu46Ile; replaces leucine 46 with isoleucine.
Molecular consequence: missense variant.
Genome position (GRCh38, 1-based): chr1:237,270,584, C>A. VCF-style: chr1-237270584-C-A. GRCh37 (hg19) VCF-style: chr1-237433884-C-A.
Other names: c.136C>A, p.Leu46Ile (LRG_402t1); short protein forms L46I.
Identifiers: ClinVar variation 191478 (VCV000191478.10), dbSNP rs200643211, ClinGen allele CA008019.
Genomic context (GRCh38, chr1:237,270,584, plus strand): 5'-GCAACCATCCACAAAGAACAACAGAAGCTATGCTTGGCAGCAGAAGGATTTGGCAACAGA[C>A]TTTGTTTCTTGGAGTCCACTTCCAATTCCAAGGTGGGATGAAGTCTTTCAAGGCTATTCA-3'
Protein context (NP_001026.2, residues 36-56): CLAAEGFGNR[Leu46Ile]CFLESTSNSK